The following is an entry in ClinVar:

ClinVar aggregate classification (germline): Likely pathogenic. Review status: criteria provided, multiple submitters, no conflicts (2 of 4 stars). 3 submissions from 3 submitters: Likely pathogenic (3). Last evaluated 2026-01-05.

Conditions:
Hereditary cancer-predisposing syndrome. Also called: Neoplastic Syndromes, Hereditary; Tumor predisposition; Hereditary neoplastic syndrome; Hereditary Cancer Syndrome. Identifiers: Orphanet 140162, MedGen C0027672, MeSH D009386, MONDO:0015356.
Breast-ovarian cancer, familial, susceptibility to, 4. Identifiers: Orphanet 145, MedGen C3280345, MONDO:0013669, OMIM 614291.

Allele frequency attached by ClinVar (database versions not stated): gnomAD exomes below 0.00001.

Submissions (3):

Labcorp Genetics (formerly Invitae), Labcorp
Classification: Likely pathogenic for Breast-ovarian cancer, familial, susceptibility to, 4. Last evaluated: 2026-01-05. Review status: criteria provided, single submitter. Criteria: Invitae Variant Classification Sherloc (09022015). Collection method: clinical testing. Allele origin: germline.
Comment: This sequence change creates a premature translational stop signal (p.Ile251Lysfs*59) in the RAD51D gene. While this is not anticipated to result in nonsense mediated decay, it is expected to disrupt the last 78 amino acid(s) of the RAD51D protein. This variant is not present in population databases (gnomAD no frequency). This premature translational stop signal has been observed in individual(s) with breast and/or ovarian cancer (PMID: 26534844). ClinVar contains an entry for this variant (Variation ID: 642898). This variant disrupts the ATPase domain and RAD51C interaction domain of the RAD51D protein, which are necessary for the DNA repair activity (PMID: 14704354, 19327148, 21111057, 10749867). While functional studies have not been performed to directly test the effect of this variant on RAD51D protein function, this suggests that disruption of this region of the protein is causative of disease. In summary, the currently available evidence indicates that the variant is pathogenic, but additional data are needed to prove that conclusively. Therefore, this variant has been classified as Likely Pathogenic.

Myriad Genetics, Inc.
Classification: Likely pathogenic for Breast-ovarian cancer, familial, susceptibility to, 4. Last evaluated: 2024-06-21. Review status: criteria provided, single submitter. Criteria: Myriad Autosomal Dominant, Autosomal Recessive and X-Linked Classification Criteria (2023). Collection method: clinical testing. Allele origin: unknown.
Comment: This variant is considered likely pathogenic. This variant creates a frameshift predicted to result in premature protein truncation.

Ambry Genetics
Classification: Likely pathogenic for Hereditary cancer-predisposing syndrome. Last evaluated: 2020-10-22. Review status: criteria provided, single submitter. Criteria: Ambry Variant Classification Scheme 2023. Collection method: clinical testing. Allele origin: germline.
Comment: The c.752delT variant, located in coding exon 9 of the RAD51D gene, results from a deletion of one nucleotide at nucleotide position 752, causing a translational frameshift with a predicted alternate stop codon. This alteration occurs at the 3' terminus of theRAD51D gene, and is not expected to trigger nonsense-mediated mRNA decay. However, premature stop codons are typically deleterious in nature and the impacted region is critical for protein function (Ambry internal data). The frameshifted region contains a highly conserved ATP cap which functions to hold the ATP in place, and is likely to impact nucleoprotein filament stability (Amunugama R, J. Biol. Chem. 2012 Mar; 287(12):8724-36). This alteration was reported in one individual in a cohort of BRCA negative women with familial breast cancer who underwent multi-gene panel testing (Li J et al. J Med Genet, 2016 Jan;53:34-42). This variant was not reported in population-based cohorts in the Genome Aggregation Database (gnomAD). Based on the majority of available evidence to date, this variant is likely to be pathogenic.

Literature cited by the submitters: PubMed 26534844 (cited by Labcorp Genetics (formerly Invitae), Labcorp and Ambry Genetics); PubMed 14704354 (cited by Labcorp Genetics (formerly Invitae), Labcorp); PubMed 19327148 (cited by Labcorp Genetics (formerly Invitae), Labcorp); PubMed 21111057 (cited by Labcorp Genetics (formerly Invitae), Labcorp); PubMed 10749867 (cited by Labcorp Genetics (formerly Invitae), Labcorp).

NM_002878.4(RAD51D):c.752del (p.Ile251fs)

Genes: RAD51D (RAD51 paralog D; minus strand), RAD51L3-RFFL (RAD51L3-RFFL readthrough; minus strand). Cytogenetic location: 17q12.
Variant type: Deletion.
Coding change: c.752del on transcript NM_002878.4 (MANE Select); coding-DNA position 752, one base deleted (T; older notation c.752delT).
Protein change: p.Ile251fs; shifts the reading frame from isoleucine 251.
Molecular consequence: frameshift variant. On other transcripts: non-coding transcript variant (3).
Genome position (GRCh38, 1-based): chr17:35,101,352, A deleted on the plus strand (T on the coding strand, the reverse complement: RAD51D is on the minus strand). VCF-style (leftmost placement, unchanged base first): chr17-35101351-TA-T. GRCh37 (hg19) VCF-style: chr17-33428370-TA-T.
Other names: c.752delT (NM_002878.3); c.812del, p.Ile271fs (NM_001142571.2); c.416del, p.Ile139fs (NM_133629.3); short protein forms I271fs, I139fs, I251fs.
Identifiers: ClinVar variation 642898 (VCV000642898.11), dbSNP rs1597856236, ClinGen allele CA915949975.